The following is an entry in ClinVar:

ClinVar aggregate classification (germline): Uncertain significance (1 of 4 stars; one submission).

Conditions:
Hermansky-Pudlak syndrome 2 (HPS2). Also called: Platelet defects and oculocutaneous albinism. Identifiers: Orphanet 183678, Orphanet 79430, MedGen C1842362, MONDO:0011997, OMIM 608233.

Submission:

Labcorp Genetics (formerly Invitae), Labcorp
Classification: Uncertain significance for Hermansky-Pudlak syndrome 2. Last evaluated: 2022-03-19. Review status: criteria provided, single submitter. Criteria: Invitae Variant Classification Sherloc (09022015). Collection method: clinical testing. Allele origin: germline.
Comment: In summary, the available evidence is currently insufficient to determine the role of this variant in disease. Therefore, it has been classified as a Variant of Uncertain Significance. Algorithms developed to predict the effect of missense changes on protein structure and function (SIFT, PolyPhen-2, Align-GVGD) all suggest that this variant is likely to be disruptive. This variant has not been reported in the literature in individuals affected with AP3B1-related conditions. This variant is not present in population databases (gnomAD no frequency). This sequence change replaces leucine, which is neutral and non-polar, with serine, which is neutral and polar, at codon 964 of the AP3B1 protein (p.Leu964Ser).

NM_003664.5(AP3B1):c.2891T>C (p.Leu964Ser)

Gene: AP3B1 (adaptor related protein complex 3 subunit beta 1; minus strand). Cytogenetic location: 5q14.1.
Variant type: single nucleotide variant.
Coding change: c.2891T>C on transcript NM_003664.5 (MANE Select); coding-DNA position 2891, T replaced by C.
Protein change: p.Leu964Ser; replaces leucine 964 with serine.
Molecular consequence: missense variant.
Genome position (GRCh38, 1-based): chr5:78,034,364, A>G on the plus strand (T>C on the coding strand, the complement: AP3B1 is on the minus strand). VCF-style: chr5-78034364-A-G. GRCh37 (hg19) VCF-style: chr5-77330188-A-G.
Other names: c.2744T>C, p.Leu915Ser (NM_001271769.2); short protein forms L915S, L964S.
Identifiers: ClinVar variation 2114116 (VCV002114116.4), dbSNP rs2530803676, ClinGen allele CA360333830.